The following is an entry in ClinVar:

NM_022552.5(DNMT3A):c.640-3782_640-3779del

Gene: DNMT3A (DNA methyltransferase 3 alpha; minus strand). Cytogenetic location: 2p23.3.
Variant type: Deletion.
Coding change: c.640-3782_640-3779del on transcript NM_022552.5 (MANE Select); 3782 bases into the intron before coding-DNA position 640 through 3779 bases into the intron before coding-DNA position 640, 4 bases deleted (GACT; older notation c.640-3782_640-3779delGACT).
Molecular consequence: intron variant. On other transcripts: nonsense (2).
Genome position (GRCh38, 1-based): chr2:25,252,031-25,252,034, AGTC deleted on the plus strand (GACT on the coding strand, the reverse complement: DNMT3A is on the minus strand); deleting any 4 consecutive bases within chr2:25,252,031-25,252,036 gives the same sequence; the c. name uses the placement nearest the transcript's 3' end. VCF-style (leftmost placement, unchanged base first): chr2-25252030-AAGTC-A. GRCh37 (hg19) VCF-style: chr2-25474899-AAGTC-A.
Other names: c.61_64del, p.Ala20_Asp21insTer (NM_001320893.1); c.640-3782_640-3779del (NM_175629.2); c.4+160_4+163del (NM_153759.3); c.-31+160_-31+163del (NM_001375819.1); c.61_64delGACT (NM_001320893.1).
Identifiers: ClinVar variation 4978279 (VCV004978279.1).

ClinVar aggregate classification (germline): Uncertain significance (1 of 4 stars; one submission).

Conditions:
DNMT3A-related disorder. Also called: DNMT3A-related disorders; DNMT3A-related condition.

Submission:

PreventionGenetics, part of Exact Sciences
Classification: Uncertain significance for DNMT3A-related condition. Last evaluated: 2026-03-23. Review status: criteria provided, single submitter. Criteria: ACMG Guidelines, 2015. Collection method: clinical testing. Allele origin: germline.
Comment: The DNMT3A c.61_64delGACT variant is predicted to result in premature protein termination (p.Asp21*). To our knowledge, this variant has not been reported in the literature or in a large population database (gnomAD), indicating this variant is rare. Of note, this change is also known as a deep intronic variant c.640-3782_640-3779del on the MANE transcript NM_022552, which is not predicted to have splice impact based on available splicing prediction programs (Alamut Visual Plus v1.6.1; SpliceAI, Jaganathan et al. 2019. PubMed ID: 30661751). At this time, the clinical significance of this variant is uncertain due to the absence of conclusive functional and genetic evidence.